The following is an entry in ClinVar:

NM_000187.4(HGD):c.860C>A (p.Ser287Ter)

Gene: HGD (homogentisate 1,2-dioxygenase; minus strand). Cytogenetic location: 3q13.33.
Variant type: single nucleotide variant.
Coding change: c.860C>A on transcript NM_000187.4 (MANE Select); coding-DNA position 860, C replaced by A.
Protein change: p.Ser287Ter; replaces serine 287 with a stop codon.
Molecular consequence: nonsense.
Genome position (GRCh38, 1-based): chr3:120,641,608, G>T on the plus strand (C>A on the coding strand, the complement: HGD is on the minus strand). VCF-style: chr3-120641608-G-T. GRCh37 (hg19) VCF-style: chr3-120360455-G-T.
Other names: short protein forms S287*.
Identifiers: ClinVar variation 2584709 (VCV002584709.2), dbSNP rs2472681060, ClinGen allele CA354073890.
Genomic context (GRCh38, chr3:120,641,608, plus strand): 5'-GCGTTGCCTCATCCCAAGGCCCCTACAGGGTTCAGACTTACTGCATGGTCAAAGGCCACT[G>T]AGTTGATAACCATGAAATTCTTCAGGTTGTACTTGTAGGGTGTATAATTCCCGTGCCAGG-3'

ClinVar aggregate classification (germline): Pathogenic (0 of 4 stars; one submission).

Conditions:
Alkaptonuria (AKU). Also called: Alkaptonuric ochronosis; Homogentisic acidura; HOMOGENTISIC ACID OXIDASE DEFICIENCY; Alcaptonuria. Identifiers: Orphanet 56, MedGen C0002066, MONDO:0008753, OMIM 203500.

Submission:

Department Of Human Genetics, Institute Of Clinical And Translational Research, Biomedical Research Center, Slovak Academy Of Sciences
Classification: Pathogenic for Alkaptonuria. Review status: no assertion criteria provided. Collection method: research. Allele origin: germline. Inheritance: Autosomal recessive inheritance. Affected: yes. Observed: 3 variant alleles.
Comment: The variant was originally described in PMID:23430897. It has been submitted to the HGD gene mutation database (DB-ID: AKU_00080).

Literature cited by the submitters: PubMed 23430897.